The following is an entry in ClinVar:

NM_012247.5(SEPHS1):c.193+4G>A

Gene: SEPHS1 (selenophosphate synthetase 1; minus strand). Cytogenetic location: 10p13.
Variant type: single nucleotide variant.
Coding change: c.193+4G>A on transcript NM_012247.5 (MANE Select); 4 bases into the intron after coding-DNA position 193, G replaced by A.
Molecular consequence: intron variant.
Genome position (GRCh38, 1-based): chr10:13,344,754, C>T on the plus strand (G>A on the coding strand, the complement: SEPHS1 is on the minus strand). VCF-style: chr10-13344754-C-T. GRCh37 (hg19) VCF-style: chr10-13386754-C-T.
Other names: c.-9+3246G>A (NM_001195602.2); c.193+4G>A (NM_001195604.2, NM_001375769.1).
Identifiers: ClinVar variation 788597 (VCV000788597.17), dbSNP rs117211901, ClinGen allele CA5412904.
Genomic context (GRCh38, chr10:13,344,754, plus strand): 5'-AGAAATCCAGTTTTTGACTCACTGATTGGATCGCAGACCATCAAAGAAACACTGGGTTAC[C>T]TACCAAGCCTTGGCATAACGGCTCCCAGAAACTGCTCATCTTCTTGGAAGTGGTTCTCCT-3'

ClinVar aggregate classification (germline): Benign/Likely benign. Review status: criteria provided, multiple submitters, no conflicts (2 of 4 stars). 2 submissions from 2 submitters: Benign (1); Likely benign (1). Last evaluated 2026-08-01.

Allele frequency attached by ClinVar (database versions not stated): ExAC 0.00175; 1000 Genomes Project 0.00180; gnomAD exomes 0.00198 and 0.00043; ESP Exome Variant Server 0.00008; gnomAD 0.00094 and 0.00097; TOPMed 0.00168; 1000 Genomes Project 30x 0.00172.
gnomAD v4.1: 733 of 1,491,682 alleles (0.049%); highest among the groups gnomAD compares: Admixed American, 1.1%; 4 homozygotes.

Submissions (2):

CeGaT Center for Human Genetics Tuebingen
Classification: Likely benign. Last evaluated: 2026-08-01. Review status: criteria provided, single submitter. Criteria: CeGaT Center For Human Genetics Tuebingen Variant Classification Criteria Version 2. Collection method: clinical testing. Allele origin: germline. Affected: yes. Observed: 6 variant alleles.
Comment: SEPHS1: BP4, BS1

Labcorp Genetics (formerly Invitae), Labcorp
Classification: Benign. Last evaluated: 2019-12-31. Review status: criteria provided, single submitter. Criteria: Invitae Variant Classification Sherloc (09022015). Collection method: clinical testing. Allele origin: germline.